The following is an entry in ClinVar:

NM_206933.4(USH2A):c.12299ACA[1] (p.Asn4101del)

Gene: USH2A (usherin; minus strand). Cytogenetic location: 1q41.
Variant type: Microsatellite.
Coding change: c.12299ACA[1] on transcript NM_206933.4 (MANE Select); one copy of the 3-base unit ACA starting at c.12299; the reference has two copies in a row; one copy, 3 bases deleted; also written c.12302_12304del.
Protein change: p.Asn4101del; deletes asparagine 4101.
Molecular consequence: inframe deletion.
Genome position (GRCh38, 1-based): chr1:215,675,607-215,675,609, TGT deleted on the plus strand (ACA on the coding strand, the reverse complement: USH2A is on the minus strand); deleting any 3 consecutive bases within chr1:215,675,607-215,675,612 gives the same sequence; the position shown is the placement nearest the transcript's 3' end. VCF-style (leftmost placement, unchanged base first): chr1-215675606-ATGT-A. GRCh37 (hg19) VCF-style: chr1-215848948-ATGT-A.
Other names: c.12302_12304del (NM_206933.4); short protein forms N4101del.
Identifiers: ClinVar variation 865868 (VCV000865868.11), dbSNP rs1657997491, ClinGen allele CA916082117.
Genomic context (GRCh38, chr1:215,675,606, plus strand): 5'-AGGCGGCGGAAGAGAAACTGACGATTCAAACCAGAGTACTCCAGGAACCCGTCACTGAAG[ATGT>A]TGTATGTCTACAGAAGGACAGAAGCAAAAGGGATAACTTGCAGCATACAATTTCTTTGTG-3'

ClinVar aggregate classification (germline): Conflicting classifications of pathogenicity. Review status: criteria provided, conflicting classifications (1 of 4 stars). 6 submissions from 5 submitters: Likely pathogenic (1); Uncertain significance (5). Last evaluated 2025-07-16.

Conditions:
Retinitis pigmentosa 39 (RP39). Identifiers: Orphanet 791, MedGen C3151138, MONDO:0013436, OMIM 613809.
Usher syndrome type 2A. Also called: RETINAL DISEASE IN USHER SYNDROME TYPE IIA, MODIFIER OF; USHER SYNDROME, TYPE IIA. Identifiers: Orphanet 231178, Orphanet 886, MedGen C1848634, MONDO:0010169, OMIM 276901.

Submissions (6):

Equipe Genetique des Anomalies du Developpement, Université de Bourgogne
Classification: Likely pathogenic for Usher syndrome type 2A. Last evaluated: 2025-07-16. Review status: criteria provided, single submitter. Criteria: ACMG Guidelines, 2015. Collection method: clinical testing. Allele origin: maternal. Affected: yes.
Comment: It is absent from the gnomAD v4.1.0 database in the homozygous state. This variant is predicted to result in an in-frame deletion affecting a moderately conserved amino acid. It is reported with uncertain significance in the ClinVar and LOVD databases. It has been described as likely pathogenic in trans with another variant in a patient with Usher syndrome (PMID: 27490420). Biallelic pathogenic variants in USH2A are associated with Usher syndrome type 2A (OMIM #276901), an autosomal recessive disorder characterized by congenital bilateral hearing loss and progressive-onset retinitis pigmentosa. According to current evidence, this variant is classified as likely pathogenic (Class 4, ACMG criteria).

Genome-Nilou Lab
Classification: Uncertain significance for Retinitis pigmentosa 39. Last evaluated: 2023-11-04. Review status: criteria provided, single submitter. Criteria: ACMG Guidelines, 2015. Collection method: clinical testing. Allele origin: germline. Affected: no.

Genome-Nilou Lab
Classification: Uncertain significance for Usher syndrome type 2A. Last evaluated: 2023-11-04. Review status: criteria provided, single submitter. Criteria: ACMG Guidelines, 2015. Collection method: clinical testing. Allele origin: germline. Affected: no.

Labcorp Genetics (formerly Invitae), Labcorp
Classification: Uncertain significance. Last evaluated: 2022-08-07. Review status: criteria provided, single submitter. Criteria: Invitae Variant Classification Sherloc (09022015). Collection method: clinical testing. Allele origin: germline.
Comment: This variant, c.12302_12304del, results in the deletion of 1 amino acid(s) of the USH2A protein (p.Asn4101del), but otherwise preserves the integrity of the reading frame. This variant is not present in population databases (gnomAD no frequency). In summary, the available evidence is currently insufficient to determine the role of this variant in disease. Therefore, it has been classified as a Variant of Uncertain Significance. Experimental studies and prediction algorithms are not available or were not evaluated, and the functional significance of this variant is currently unknown. ClinVar contains an entry for this variant (Variation ID: 865868). This variant has been observed in individual(s) with USH2A-related conditions (PMID: 27460420).

Centre of Medical Genetics, University Hospital Muenster
Classification: Uncertain significance for Retinitis pigmentosa 39. Last evaluated: 2022-02-17. Review status: criteria provided, single submitter. Criteria: ACMG Guidelines, 2015. Collection method: clinical testing. Allele origin: germline. Affected: yes. Observed: 1 variant allele, 1 heterozygote.
Comment: ACMG categories: PM2,PM4,PP3

Blueprint Genetics
Classification: Uncertain significance. Last evaluated: 2019-01-23. Review status: criteria provided, single submitter. Criteria: ACMG Guidelines, 2015. Collection method: clinical testing. Allele origin: germline.

Literature cited by the submitters: PubMed 27490420 (cited by Equipe Genetique des Anomalies du Developpement, Université de Bourgogne); PubMed 27460420 (cited by Labcorp Genetics (formerly Invitae), Labcorp).